The following is an entry in ClinVar:

ClinVar aggregate classification (germline): Benign (1 of 4 stars; one submission).

Conditions:
Huntington disease (HD). Also called: Huntington's chorea; Huntington's disease; HUNTINGTON CHOREA. Identifiers: Orphanet 248111, Orphanet 399, MedGen C0020179, MONDO:0007739, OMIM 143100.

Submission:

Department Of Human Genetics, Institute Of Clinical And Translational Research, Biomedical Research Center, Slovak Academy Of Sciences
Classification: Benign for Huntington disease. Last evaluated: 2026-09-23. Review status: criteria provided, single submitter. Criteria: ACMG Guidelines for Huntington disease, 2014. Collection method: research. Allele origin: germline. Inheritance: Autosomal dominant inheritance.
Comment: The NC_000004.12.g.3074878_3074940AGC[15]AAC[1]AGC[1]AAC[1]AGC[1] allele represents a complex trinucleotide repeat sequence in the HTT (huntingtin) gene. The repeat tract consists of 15 consecutive AGC repeats, interspersed with two single AAC repeats and two additional single AGC repeats. This sequence corresponds to 15 uninterrupted glutamine-encoding units or 19 interrupted glutamine-encoding repeat units (this count the AAC interruptions and the additional AGC modules to the total number of repeats on the DNA level, while all resulting in glutamine residues at the protein level). Huntington disease (HD) is an autosomal dominant neurodegenerative disorder caused by an expansion of the CAG trinucleotide repeat in exon 1 of the HTT gene. HTT alleles containing 26 or fewer CAG repeats are considered within the normal range, whereas alleles containing 27–35 repeats are classified as intermediate/premutation, 36-39 repeats as reduced-penetrance pathogenic alleles, and 40 or more repeats as full-penetrance pathogenic alleles. This allele falls into the benign range both when considering the 15 uninterrupted as well as the 19 interrupted glutamine-encoding repeats. The allele reached 2.46% frequency in the general population of Slovakia (in 609 genotyped alleles).

NM_001388492.1(HTT):c.105_109del (p.Gln36fs)

Genes: HTT (huntingtin; plus strand), LOC109461479 (huntingtin repeat instability region; plus strand), LOC129929027 (ATAC-STARR-seq lymphoblastoid silent region 15199; plus strand). Cytogenetic location: 4p16.3.
Variant type: Indel.
Coding change: c.105_109del on transcript NM_001388492.1 (MANE Select); coding-DNA positions 105 to 109, 5 bases deleted.
Protein change: p.Gln36fs; shifts the reading frame from glutamine 36.
Molecular consequence: frameshift variant. On other transcripts: inframe deletion (1).
Genome position: GRCh38 VCF-style: chr4-3074924-GCAGCAG-A. GRCh37 (hg19) VCF-style: chr4-3076651-GCAGCAG-A.
Other names: c.105_111delinsA, p.Gln39_Gln40del (NM_002111.8); short protein forms Q36fs.
Identifiers: ClinVar variation 5042749 (VCV005042749.1).